The following is an entry in ClinVar:

ClinVar aggregate classification (germline): Uncertain significance. Review status: criteria provided, multiple submitters, no conflicts (2 of 4 stars). 2 submissions from 2 submitters: Uncertain significance (2). Last evaluated 2023-12-01.

Allele frequency attached by ClinVar (database versions not stated): gnomAD exomes 0.00001; TOPMed 0.00001.
gnomAD v4.1: 11 of 1,551,410 alleles (0.00071%); highest among the groups gnomAD compares: Admixed American, 0.0039%; no homozygotes.

Submissions (2):

CeGaT Center for Human Genetics Tuebingen
Classification: Uncertain significance. Last evaluated: 2023-12-01. Review status: criteria provided, single submitter. Criteria: CeGaT Center For Human Genetics Tuebingen Variant Classification Criteria Version 2. Collection method: clinical testing. Allele origin: germline. Affected: yes. Observed: 1 variant allele.
Comment: LOXHD1: PM2, BP4

Laboratory for Molecular Medicine, Mass General Brigham Personalized Medicine
Classification: Uncertain significance. Last evaluated: 2017-05-16. Review status: criteria provided, single submitter. Criteria: LMM Criteria. Collection method: clinical testing. Allele origin: germline. Observed: 1 variant allele.
Comment: The p.Asp1334Asn variant in LOXHD1 has not been previously reported in individua ls with hearing loss or in large population studies. Computational prediction to ols and conservation analyses suggest that this variant may not impact the prote in, though this information is not predictive enough to rule out pathogenicity. In summary, the clinical significance of the p.Asp1334Asn variant is uncertain.

NM_001384474.1(LOXHD1):c.4000G>A (p.Asp1334Asn)

Gene: LOXHD1 (lipoxygenase homology PLAT domains 1; minus strand). Cytogenetic location: 18q21.1.
Variant type: single nucleotide variant.
Coding change: c.4000G>A on transcript NM_001384474.1 (MANE Select); coding-DNA position 4000, G replaced by A.
Protein change: p.Asp1334Asn; replaces aspartic acid 1334 with asparagine.
Molecular consequence: missense variant.
Genome position (GRCh38, 1-based): chr18:46,538,251, C>T on the plus strand (G>A on the coding strand, the complement: LOXHD1 is on the minus strand). VCF-style: chr18-46538251-C-T. GRCh37 (hg19) VCF-style: chr18-44118214-C-T.
Other names: c.667G>A, p.Asp223Asn (NM_001145472.3); c.379G>A, p.Asp127Asn (NM_001308013.2); c.4000G>A, p.Asp1334Asn (NM_144612.7); short protein forms D1334N, D223N, D127N.
Identifiers: ClinVar variation 517392 (VCV000517392.8), dbSNP rs1555673818, ClinGen allele CA402376984.